The following is an entry in ClinVar:

ClinVar aggregate classification (germline): Uncertain significance (1 of 4 stars; one submission).

Conditions:
Muscle AMP deaminase deficiency (MMDD). Also called: AMPD1 DEFICIENCY; ADENOSINE MONOPHOSPHATE DEAMINASE-1 DEFICIENCY, MYOPATHY DUE TO; Myoadenylate deaminase deficiency, myopathy due to; Adenosine monophosphate deaminase 1 deficiency; AMP deaminase 1 deficiency; Adenosine Monophosphate Deaminase 1. Identifiers: Orphanet 45, MedGen C3714933, MONDO:0014220, OMIM 615511.

Submission:

Labcorp Genetics (formerly Invitae), Labcorp
Classification: Uncertain significance for Muscle AMP deaminase deficiency. Last evaluated: 2024-11-18. Review status: criteria provided, single submitter. Criteria: Invitae Variant Classification Sherloc (09022015). Collection method: clinical testing. Allele origin: germline.
Comment: This sequence change creates a premature translational stop signal (p.Arg150Serfs*6) in the AMPD1 gene. It is expected to result in an absent or disrupted protein product. However, the current clinical and genetic evidence is not sufficient to establish whether loss-of-function variants in AMPD1 cause disease. This variant is not present in population databases (gnomAD no frequency). This variant has not been reported in the literature in individuals affected with AMPD1-related conditions. In summary, the available evidence is currently insufficient to determine the role of this variant in disease. Therefore, it has been classified as a Variant of Uncertain Significance.

NM_000036.3(AMPD1):c.351_352del (p.Arg117fs)

Gene: AMPD1 (adenosine monophosphate deaminase 1; minus strand). Cytogenetic location: 1p13.2.
Variant type: Microsatellite.
Coding change: c.351_352del on transcript NM_000036.3 (MANE Select); coding-DNA positions 351 to 352, 2 bases deleted (AG; older notation c.351_352delAG).
Protein change: p.Arg117fs; shifts the reading frame from arginine 117.
Molecular consequence: frameshift variant.
Genome position (GRCh38, 1-based): chr1:114,686,774-114,686,775, CT deleted on the plus strand (AG on the coding strand, the reverse complement: AMPD1 is on the minus strand); deleting any 2 consecutive bases within chr1:114,686,774-114,686,779 gives the same sequence; the c. name uses the placement nearest the transcript's 3' end. VCF-style (leftmost placement, unchanged base first): chr1-114686773-ACT-A. GRCh37 (hg19) VCF-style: chr1-115229394-ACT-A.
Other names: c.339_340del, p.Arg113fs (NM_001172626.2); short protein forms R113fs, R117fs.
Identifiers: ClinVar variation 2055265 (VCV002055265.4), dbSNP rs2526379713, ClinGen allele CA2580611191.